The following is an entry in ClinVar:

NM_001080.3(ALDH5A1):c.518G>A (p.Arg173His)

Gene: ALDH5A1 (aldehyde dehydrogenase 5 family member A1; plus strand). Cytogenetic location: 6p22.3.
Variant type: single nucleotide variant.
Coding change: c.518G>A on transcript NM_001080.3 (MANE Select); coding-DNA position 518, G replaced by A.
Protein change: p.Arg173His; replaces arginine 173 with histidine.
Molecular consequence: missense variant.
Genome position (GRCh38, 1-based): chr6:24,503,342, G>A. VCF-style: chr6-24503342-G-A. GRCh37 (hg19) VCF-style: chr6-24503570-G-A.
Other names: c.518G>A, p.Arg173His (NM_001368954.1, NM_170740.1); short protein forms R173H.
Identifiers: ClinVar variation 907464 (VCV000907464.13), dbSNP rs369366567, ClinGen allele CA3656643.

ClinVar aggregate classification (germline): Uncertain significance. Review status: criteria provided, multiple submitters, no conflicts (2 of 4 stars). 4 submissions from 4 submitters: Uncertain significance (4). Last evaluated 2026-02-02.

Conditions:
Succinate-semialdehyde dehydrogenase deficiency (SSADHD). Also called: SSADH DEFICIENCY; Succinic Semialdehyde Dehydrogenase Deficiency; GABA METABOLIC DEFECT; 4-HYDROXYBUTYRIC ACIDURIA. Identifiers: Orphanet 22, MedGen C0268631, MONDO:0010083, OMIM 271980.

Allele frequency attached by ClinVar (database versions not stated): TOPMed 0.00006; gnomAD exomes 0.00013 and 0.00018; ESP Exome Variant Server 0.00015; ExAC 0.00025; 1000 Genomes Project 30x 0.00047; 1000 Genomes Project 0.00060.
gnomAD v4.1: 213 of 1,614,106 alleles (0.013%); highest among the groups gnomAD compares: Middle Eastern, 0.12%; 1 homozygote.

Submissions (4):

Labcorp Genetics (formerly Invitae), Labcorp
Classification: Uncertain significance for Succinate-semialdehyde dehydrogenase deficiency. Last evaluated: 2026-02-02. Review status: criteria provided, single submitter. Criteria: Invitae Variant Classification Sherloc (09022015). Collection method: clinical testing. Allele origin: germline.
Comment: This sequence change replaces arginine, which is basic and polar, with histidine, which is basic and polar, at codon 173 of the ALDH5A1 protein (p.Arg173His). This variant is present in population databases (rs369366567, gnomAD 0.1%). This variant has not been reported in the literature in individuals affected with ALDH5A1-related conditions. ClinVar contains an entry for this variant (Variation ID: 907464). Invitae Evidence Modeling of protein sequence and biophysical properties (such as structural, functional, and spatial information, amino acid conservation, physicochemical variation, residue mobility, and thermodynamic stability) has been performed for this missense variant. However, the output from this modeling did not meet the statistical confidence thresholds required to predict the impact of this variant on ALDH5A1 protein function. This variant disrupts the p.Arg173 amino acid residue in ALDH5A1. Other variant(s) that disrupt this residue have been observed in individuals with ALDH5A1-related conditions (PMID: 34234304, 37962671), which suggests that this may be a clinically significant amino acid residue. In summary, the available evidence is currently insufficient to determine the role of this variant in disease. Therefore, it has been classified as a Variant of Uncertain Significance.

Blueprint Genetics
Classification: Uncertain significance. Last evaluated: 2024-08-23. Review status: criteria provided, single submitter. Criteria: ACMG Guidelines, 2015. Collection method: clinical testing. Allele origin: germline.

GeneDx
Classification: Uncertain significance. Last evaluated: 2020-12-08. Review status: criteria provided, single submitter. Criteria: GeneDx Variant Classification Process June 2021. Collection method: clinical testing. Allele origin: germline. Affected: yes.
Comment: In silico analysis, which includes protein predictors and evolutionary conservation, supports a deleterious effect; Has not been previously published as pathogenic or benign to our knowledge

Illumina Laboratory Services, Illumina
Classification: Uncertain significance for Succinate-semialdehyde dehydrogenase deficiency. Last evaluated: 2018-01-13. Review status: criteria provided, single submitter. Criteria: ICSL Variant Classification Criteria 13 December 2019. Collection method: clinical testing. Allele origin: germline.

Literature cited by the submitters: PubMed 34234304 (cited by Labcorp Genetics (formerly Invitae), Labcorp); PubMed 37962671 (cited by Labcorp Genetics (formerly Invitae), Labcorp).